The following is an entry in ClinVar:

ClinVar aggregate classification (germline): Conflicting classifications of pathogenicity. Review status: criteria provided, conflicting classifications (1 of 4 stars). 3 submissions from 3 submitters: Likely pathogenic (1); Uncertain significance (2). Last evaluated 2022-03-23.

Submissions (3):

Women's Health and Genetics/Laboratory Corporation of America, LabCorp
Classification: Uncertain significance. Last evaluated: 2022-03-23. Review status: criteria provided, single submitter. Criteria: LabCorp Variant Classification Summary - May 2015. Collection method: clinical testing. Allele origin: germline.
Comment: Variant summary: ALG6 c.908_910delGTT (p.Cys303del) results in an in-frame deletion that is predicted to remove one amino acid from the encoded protein. The variant was absent in 249388 control chromosomes. The available data on variant occurrences in the general population are insufficient to allow any conclusion about variant significance. c.908_910delGTT has been reported in the literature as a presumed compound heterozygous genotype in at-least one individual affected with alpha-1,3-glucosyltransferase congenital disorder of glycosylation (ALG6-CDG) (example, Morava_2016) and also listed without a second allele or zygosity specified in a mutational update report (example, Haeuptle_2009). These data do not allow any conclusion about variant significance. To our knowledge, no experimental evidence demonstrating an impact on protein function has been reported. Two clinical diagnostic laboratories have submitted clinical-significance assessments for this variant to ClinVar after 2014 without evidence for independent evaluation. One laboratory classified the variant as likely pathogenic and one laboratory classified the variant as uncertain significance. Based on the evidence outlined above, the variant was classified as uncertain significance.

GeneDx
Classification: Likely pathogenic. Last evaluated: 2016-09-23. Review status: criteria provided, single submitter. Criteria: GeneDx Variant Classification (06012015). Collection method: clinical testing. Allele origin: germline. Affected: yes.
Comment: The c.908_910delGTT variant in the ALG6 gene has been previously reported in an least one individual with CDG who had a second variant, c.257+5G>A, although the phase for these two variants is unknown (Morava et al., 2016). The c.908_910delGTT variant causes an in-frame deletion of one amino acid, Cysteine 303, denoted p.C303del. This amino acid deletion occurs at a position that is not conserved across species. However, the c.908_910delGTT was not observed in approximately 6,500 individuals of European and African American ancestry in the NHLBI Exome Sequencing Project, indicating it is not a common benign variant in these populations. We interpret c.908_910delGTT as a likely pathogenic variant.

Genetic Services Laboratory, University of Chicago
Classification: Uncertain significance. Last evaluated: 2015-11-16. Review status: criteria provided, single submitter. Criteria: ACMG Guidelines, 2015. Collection method: clinical testing. Allele origin: germline. Affected: no.

Literature cited by the submitters: PubMed 19862844 (cited by Women's Health and Genetics/Laboratory Corporation of America, LabCorp); PubMed 27287710 (cited by Women's Health and Genetics/Laboratory Corporation of America, LabCorp).

NM_013339.4(ALG6):c.908_910del (p.Cys303del)

Gene: ALG6 (ALG6 alpha-1,3-glucosyltransferase; plus strand). Cytogenetic location: 1p31.3.
Variant type: Deletion.
Coding change: c.908_910del on transcript NM_013339.4 (MANE Select); coding-DNA positions 908 to 910, 3 bases deleted (GTT; older notation c.908_910delGTT).
Protein change: p.Cys303del; deletes cysteine 303.
Molecular consequence: inframe deletion.
Genome position (GRCh38, 1-based): chr1:63,415,878-63,415,880, GTT deleted; deleting any 3 consecutive bases within chr1:63,415,876-63,415,880 gives the same sequence; the c. name uses the placement nearest the transcript's 3' end. VCF-style (leftmost placement, unchanged base first): chr1-63415875-TTTG-T. GRCh37 (hg19) VCF-style: chr1-63881546-TTTG-T.
Other names: c.908_910del, p.Cys303del (LRG_1260t1); short protein forms C303del.
Identifiers: ClinVar variation 372732 (VCV000372732.7), dbSNP rs1057517952, ClinGen allele CA16042321.